The following is an entry in ClinVar:

NM_015512.5(DNAH1):c.12011A>C (p.Asn4004Thr)

Gene: DNAH1 (dynein axonemal heavy chain 1; plus strand). Cytogenetic location: 3p21.1.
Variant type: single nucleotide variant.
Coding change: c.12011A>C on transcript NM_015512.5 (MANE Select); coding-DNA position 12011, A replaced by C.
Protein change: p.Asn4004Thr; replaces asparagine 4004 with threonine.
Molecular consequence: missense variant.
Genome position (GRCh38, 1-based): chr3:52,398,084, A>C. VCF-style: chr3-52398084-A-C. GRCh37 (hg19) VCF-style: chr3-52432100-A-C.
Other names: short protein forms N4004T.
Identifiers: ClinVar variation 4790471 (VCV004790471.1).

ClinVar aggregate classification (germline): Uncertain significance (1 of 4 stars; one submission).

Conditions:
Spermatogenic failure 18. Identifiers: MedGen C4539783, MONDO:0054615, OMIM 617576.
Ciliary dyskinesia, primary, 37 (CILD37). Also called: CILIARY DYSKINESIA, PRIMARY, 37, WITH OR WITHOUT SITUS INVERSUS. Identifiers: MedGen C4539798, MONDO:0033204, OMIM 617577.

gnomAD v4.1: 1 of 1,613,852 alleles (0.000062%); highest among the groups gnomAD compares: African/African-American, 0.0013%; no homozygotes.

Submission:

Labcorp Genetics (formerly Invitae), Labcorp
Classification: Uncertain significance for Ciliary dyskinesia, primary, 37; Spermatogenic failure 18. Last evaluated: 2025-09-05. Review status: criteria provided, single submitter. Criteria: Invitae Variant Classification Sherloc (09022015). Collection method: clinical testing. Allele origin: germline.
Comment: This sequence change replaces asparagine, which is neutral and polar, with threonine, which is neutral and polar, at codon 4004 of the DNAH1 protein (p.Asn4004Thr). This variant is present in population databases (rs769217525, gnomAD 0.008%). This variant has not been reported in the literature in individuals affected with DNAH1-related conditions. Invitae Evidence Modeling of protein sequence and biophysical properties (such as structural, functional, and spatial information, amino acid conservation, physicochemical variation, residue mobility, and thermodynamic stability) has been performed for this missense variant. However, the output from this modeling did not meet the statistical confidence thresholds required to predict the impact of this variant on DNAH1 protein function. In summary, the available evidence is currently insufficient to determine the role of this variant in disease. Therefore, it has been classified as a Variant of Uncertain Significance.